The following is an entry in ClinVar:

NM_001256545.2(MEGF10):c.2491+1G>A

Gene: MEGF10 (multiple EGF like domains 10; plus strand). Cytogenetic location: 5q23.2.
Variant type: single nucleotide variant.
Coding change: c.2491+1G>A on transcript NM_001256545.2 (MANE Select); the canonical splice donor site of the intron after coding-DNA position 2491, G replaced by A.
Molecular consequence: splice donor variant.
Genome position (GRCh38, 1-based): chr5:127,443,127, G>A. VCF-style: chr5-127443127-G-A. GRCh37 (hg19) VCF-style: chr5-126778819-G-A.
Other names: c.2491+1G>A (NM_032446.3).
Identifiers: ClinVar variation 4740846 (VCV004740846.1).

ClinVar aggregate classification (germline): Likely pathogenic (1 of 4 stars; one submission).

Conditions:
MEGF10-related myopathy (CMYO10A). Also called: Congenital myopathy 10A, severe variant. Identifiers: Orphanet 439212, MedGen C3280679, MONDO:0013731, OMIM 614399.

gnomAD v4.1: 10 of 1,611,898 alleles (0.00062%); highest among the groups gnomAD compares: African/African-American, 0.0067%; no homozygotes.

Submission:

Labcorp Genetics (formerly Invitae), Labcorp
Classification: Likely pathogenic for MEGF10-related myopathy. Last evaluated: 2025-09-16. Review status: criteria provided, single submitter. Criteria: Invitae Variant Classification Sherloc (09022015). Collection method: clinical testing. Allele origin: germline.
Comment: This sequence change affects a donor splice site in intron 20 of the MEGF10 gene. It is expected to disrupt RNA splicing. Variants that disrupt the donor or acceptor splice site typically lead to a loss of protein function (PMID: 16199547), and loss-of-function variants in MEGF10 are known to be pathogenic (PMID: 22101682, 22371254, 23453856, 23954233). This variant is present in population databases (no rsID available, gnomAD 0.004%). This variant has not been reported in the literature in individuals affected with MEGF10-related conditions. Algorithms developed to predict the effect of sequence changes on RNA splicing suggest that this variant may disrupt the consensus splice site. In summary, the currently available evidence indicates that the variant is pathogenic, but additional data are needed to prove that conclusively. Therefore, this variant has been classified as Likely Pathogenic.

Literature cited by the submitters: PubMed 16199547; PubMed 22101682; PubMed 22371254; PubMed 23453856; PubMed 23954233.